The following is an entry in ClinVar:

NM_015047.3(EMC1):c.706G>C (p.Val236Leu)

Genes: EMC1 (ER membrane protein complex subunit 1; minus strand), EMC1-AS1 (EMC1 antisense RNA 1; plus strand). Cytogenetic location: 1p36.13.
Variant type: single nucleotide variant.
Coding change: c.706G>C on transcript NM_015047.3 (MANE Select); coding-DNA position 706, G replaced by C.
Protein change: p.Val236Leu; replaces valine 236 with leucine.
Molecular consequence: missense variant. On other transcripts: non-coding transcript variant (1).
Genome position (GRCh38, 1-based): chr1:19,240,377, C>G on the plus strand (G>C on the coding strand, the complement: EMC1 is on the minus strand). VCF-style: chr1-19240377-C-G. GRCh37 (hg19) VCF-style: chr1-19566871-C-G.
Other names: c.706G>C, p.Val236Leu (NM_001271427.2, NM_001271428.2, NM_001375820.1 and 1 more transcripts); c.640G>C, p.Val214Leu (NM_001271429.2); short protein forms V214L, V236L.
Identifiers: ClinVar variation 858600 (VCV000858600.9), dbSNP rs781763915, ClinGen allele CA338769054.

ClinVar aggregate classification (germline): Uncertain significance (1 of 4 stars; one submission).

Allele frequency attached by ClinVar (database versions not stated): TOPMed below 0.00001.

Submission:

Labcorp Genetics (formerly Invitae), Labcorp
Classification: Uncertain significance. Last evaluated: 2022-03-19. Review status: criteria provided, single submitter. Criteria: Invitae Variant Classification Sherloc (09022015). Collection method: clinical testing. Allele origin: germline.
Comment: This variant has not been reported in the literature in individuals affected with EMC1-related conditions. ClinVar contains an entry for this variant (Variation ID: 858600). Algorithms developed to predict the effect of missense changes on protein structure and function (SIFT, PolyPhen-2, Align-GVGD) all suggest that this variant is likely to be tolerated. In summary, the available evidence is currently insufficient to determine the role of this variant in disease. Therefore, it has been classified as a Variant of Uncertain Significance. This variant is not present in population databases (gnomAD no frequency). This sequence change replaces valine, which is neutral and non-polar, with leucine, which is neutral and non-polar, at codon 236 of the EMC1 protein (p.Val236Leu).